The following is an entry in ClinVar:

NM_031935.3(HMCN1):c.14249A>G (p.Asn4750Ser)

Gene: HMCN1 (hemicentin 1; plus strand). Cytogenetic location: 1q31.1.
Variant type: single nucleotide variant.
Coding change: c.14249A>G on transcript NM_031935.3 (MANE Select); coding-DNA position 14249, A replaced by G.
Protein change: p.Asn4750Ser; replaces asparagine 4750 with serine.
Molecular consequence: missense variant.
Genome position (GRCh38, 1-based): chr1:186,144,686, A>G. VCF-style: chr1-186144686-A-G. GRCh37 (hg19) VCF-style: chr1-186113818-A-G.
Other names: short protein forms N4750S.
Identifiers: ClinVar variation 3007465 (VCV003007465.3), dbSNP rs1650202664, ClinGen allele CA343915667.

ClinVar aggregate classification (germline): Uncertain significance (1 of 4 stars; one submission).

Allele frequency attached by ClinVar (database versions not stated): TOPMed below 0.00001.

Submission:

Labcorp Genetics (formerly Invitae), Labcorp
Classification: Uncertain significance. Last evaluated: 2025-07-18. Review status: criteria provided, single submitter. Criteria: Invitae Variant Classification Sherloc (09022015). Collection method: clinical testing. Allele origin: germline.
Comment: This sequence change replaces asparagine, which is neutral and polar, with serine, which is neutral and polar, at codon 4750 of the HMCN1 protein (p.Asn4750Ser). This variant is not present in population databases (gnomAD no frequency). This variant has not been reported in the literature in individuals affected with HMCN1-related conditions. ClinVar contains an entry for this variant (Variation ID: 3007465). An algorithm developed to predict the effect of missense changes on protein structure and function (PolyPhen-2) suggests that this variant is likely to be disruptive. In summary, the available evidence is currently insufficient to determine the role of this variant in disease. Therefore, it has been classified as a Variant of Uncertain Significance.